The following is an entry in ClinVar:

ClinVar aggregate classification (germline): Uncertain significance (1 of 4 stars; one submission).

Conditions:
Inborn genetic diseases. Identifiers: MedGen C0950123, MeSH D030342.

gnomAD v4.1: 1 of 1,611,720 alleles (0.000062%); highest among the groups gnomAD compares: Non-Finnish European, 0.000085%; no homozygotes.

Submission:

Ambry Genetics
Classification: Uncertain significance for Inborn genetic diseases. Last evaluated: 2025-05-25. Review status: criteria provided, single submitter. Criteria: Ambry Variant Classification Scheme 2023. Collection method: clinical testing. Allele origin: germline.
Comment: The p.I78M variant (also known as c.234C>G), located in coding exon 4 of the ASXL1 gene, results from a C to G substitution at nucleotide position 234. The isoleucine at codon 78 is replaced by methionine, an amino acid with highly similar properties. This amino acid position is conserved. In addition, this alteration is predicted to be tolerated by in silico analysis. Based on the available evidence, the clinical significance of this variant remains unclear.

NM_015338.6(ASXL1):c.234C>G (p.Ile78Met)

Gene: ASXL1 (ASXL transcriptional regulator 1; plus strand). Cytogenetic location: 20q11.21.
Variant type: single nucleotide variant.
Coding change: c.234C>G on transcript NM_015338.6 (MANE Select); coding-DNA position 234, C replaced by G.
Protein change: p.Ile78Met; replaces isoleucine 78 with methionine.
Molecular consequence: missense variant.
Genome position (GRCh38, 1-based): chr20:32,369,105, C>G. VCF-style: chr20-32369105-C-G. GRCh37 (hg19) VCF-style: chr20-30956908-C-G.
Other names: c.234C>G, p.Ile78Met (NM_001164603.1); c.204C>G, p.Ile68Met (NM_001363734.1); short protein forms I68M, I78M.
Identifiers: ClinVar variation 3957262 (VCV003957262.1).
Genomic context (GRCh38, chr20:32,369,105, plus strand): 5'-TATGCTACATTCCAATTCAAGAGGAGGAGAGGGGTTGTTTTATAAACTGCCTGGCCGAAT[C>G]AGCCTTTTCACGCTCAAGGTAAGTGATATGAACTCTCTTTTGGTGCAGTGATTCTTGGAC-3'
Protein context (NP_056153.2, residues 68-88): EGLFYKLPGR[Ile78Met]SLFTLKKDAL